The following is an entry in ClinVar:

ClinVar aggregate classification (germline): Uncertain significance (1 of 4 stars; one submission).

Conditions:
Intellectual developmental disorder, autosomal dominant 6, with or without seizures. Also called: Intellectual disability, autosomal dominant 6; GRIN2B-related developmental delay, intellectual disability and autism spectrum disorder. Identifiers: Orphanet 589547, MedGen C3151411, MONDO:0013509, OMIM 613970.
Developmental and epileptic encephalopathy, 27 (DEE27). Also called: Epileptic encephalopathy, early infantile, 27; GRIN2B-Related Neurodevelopmental Disorder. Identifiers: Orphanet 3451, MedGen C4015316, MONDO:0014505, OMIM 616139.

Allele frequency attached by ClinVar (database versions not stated): gnomAD exomes below 0.00001.
gnomAD v4.1: 3 of 1,614,148 alleles (0.00019%); highest among the groups gnomAD compares: South Asian, 0.0022%; no homozygotes.

Submission:

Labcorp Genetics (formerly Invitae), Labcorp
Classification: Uncertain significance for Developmental and epileptic encephalopathy, 27; Intellectual developmental disorder, autosomal dominant 6, with or without seizures. Last evaluated: 2024-04-10. Review status: criteria provided, single submitter. Criteria: Invitae Variant Classification Sherloc (09022015). Collection method: clinical testing. Allele origin: germline.
Comment: This sequence change replaces threonine, which is neutral and polar, with alanine, which is neutral and non-polar, at codon 1139 of the GRIN2B protein (p.Thr1139Ala). This variant is not present in population databases (gnomAD no frequency). This variant has not been reported in the literature in individuals affected with GRIN2B-related conditions. ClinVar contains an entry for this variant (Variation ID: 572972). Advanced modeling of protein sequence and biophysical properties (such as structural, functional, and spatial information, amino acid conservation, physicochemical variation, residue mobility, and thermodynamic stability) performed at Invitae indicates that this missense variant is not expected to disrupt GRIN2B protein function with a negative predictive value of 95%. In summary, the available evidence is currently insufficient to determine the role of this variant in disease. Therefore, it has been classified as a Variant of Uncertain Significance.

NM_000834.5(GRIN2B):c.3415A>G (p.Thr1139Ala)

Gene: GRIN2B (glutamate ionotropic receptor NMDA type subunit 2B; minus strand). Cytogenetic location: 12p13.1.
Variant type: single nucleotide variant.
Coding change: c.3415A>G on transcript NM_000834.5 (MANE Select); coding-DNA position 3415, A replaced by G.
Protein change: p.Thr1139Ala; replaces threonine 1139 with alanine.
Molecular consequence: missense variant.
Genome position (GRCh38, 1-based): chr12:13,563,823, T>C on the plus strand (A>G on the coding strand, the complement: GRIN2B is on the minus strand). VCF-style: chr12-13563823-T-C. GRCh37 (hg19) VCF-style: chr12-13716757-T-C.
Other names: short protein forms T1139A.
Identifiers: ClinVar variation 572972 (VCV000572972.9), dbSNP rs200237781, ClinGen allele CA233133746.
Genomic context (GRCh38, chr12:13,563,823, plus strand): 5'-TCCGCTCCTTGTAGATGTCGGTCAGGTCTACGTGCTCCCAGTGGGGTGAGTTCTCCTTTG[T>C]TCGGAACTGGTCCAGGTAGAAGTCCCGTAGCCCTTCCTTGTCCCTGAAGTAGCGCTTGTG-3'
Protein context (NP_000825.2, residues 1129-1149): LRDFYLDQFR[Thr1139Ala]KENSPHWEHV